The following is an entry in ClinVar:

ClinVar aggregate classification (germline): Uncertain significance (1 of 4 stars; one submission).

Conditions:
Melnick-Needles syndrome (MNS). Also called: MELNICK-NEEDLES OSTEODYSPLASTY; OSTEODYSPLASTY OF MELNICK AND NEEDLES; Melnick-Needles Syndrome (FLNA-MNS). Identifiers: Orphanet 2484, MedGen C0025237, MONDO:0010650, OMIM 309350.
Frontometaphyseal dysplasia (FMD1). Identifiers: Orphanet 1826, MedGen C0265293, MONDO:0015942.
Heterotopia, periventricular, X-linked dominant (PVNH1). Also called: PERIVENTRICULAR NODULAR HETEROTOPIA 1; X-linked periventricular heterotopia; PERIVENTRICULAR NODULAR HETEROTOPIA 4; HETEROTOPIA, PERIVENTRICULAR, 1. Identifiers: Orphanet 2149, Orphanet 82004, MedGen C1848213, MONDO:0010233, OMIM 300049.
Oto-palato-digital syndrome, type II (OPD2). Also called: FACIOPALATOOSSEOUS SYNDROME; OPD II SYNDROME; Otopalatodigital Syndrome, Type II; Otopalatodigital Syndrome Type 2 (FLNA-OPD2). Identifiers: Orphanet 669, Orphanet 90652, MedGen C1844696, MONDO:0010571, OMIM 304120.

Submission:

Labcorp Genetics (formerly Invitae), Labcorp
Classification: Uncertain significance for Oto-palato-digital syndrome, type II; Heterotopia, periventricular, X-linked dominant; Frontometaphyseal dysplasia; Melnick-Needles syndrome. Last evaluated: 2024-09-12. Review status: criteria provided, single submitter. Criteria: Invitae Variant Classification Sherloc (09022015). Collection method: clinical testing. Allele origin: germline.
Comment: This sequence change replaces cysteine, which is neutral and slightly polar, with serine, which is neutral and polar, at codon 478 of the FLNA protein (p.Cys478Ser). This variant is not present in population databases (gnomAD no frequency). This variant has not been reported in the literature in individuals affected with FLNA-related conditions. Invitae Evidence Modeling of protein sequence and biophysical properties (such as structural, functional, and spatial information, amino acid conservation, physicochemical variation, residue mobility, and thermodynamic stability) indicates that this missense variant is not expected to disrupt FLNA protein function with a negative predictive value of 95%. In summary, the available evidence is currently insufficient to determine the role of this variant in disease. Therefore, it has been classified as a Variant of Uncertain Significance.

NM_001110556.2(FLNA):c.1433G>C (p.Cys478Ser)

Gene: FLNA (filamin A; minus strand). Cytogenetic location: Xq28.
Variant type: single nucleotide variant.
Coding change: c.1433G>C on transcript NM_001110556.2 (MANE Select); coding-DNA position 1433, G replaced by C.
Protein change: p.Cys478Ser; replaces cysteine 478 with serine.
Molecular consequence: missense variant.
Genome position (GRCh38, 1-based): chrX:154,365,483, C>G on the plus strand (G>C on the coding strand, the complement: FLNA is on the minus strand). VCF-style: chrX-154365483-C-G. GRCh37 (hg19) VCF-style: chrX-153593851-C-G.
Other names: c.1433G>C, p.Cys478Ser (NM_001456.4); short protein forms C478S.
Identifiers: ClinVar variation 3754015 (VCV003754015.2).
Genomic context (GRCh38, chrX:154,365,483, plus strand): 5'-TTCACCCGCACACCCTTGGGCTGGAGGCCCCGGCCAACCGCCCGGCAGGCACTCGGGTTA[C>G]AGGCTGCAGGCAGAGGGGCCAGCTGAGCACCAGCAGCTCGGCTGGGCGACCCCTCCCTTG-3'
Protein context (NP_001104026.1, residues 468-488): SPYTVTVGQA[Cys478Ser]NPSACRAVGR